The following is an entry in ClinVar:

ClinVar aggregate classification (germline): Uncertain significance. Review status: criteria provided, multiple submitters, no conflicts (2 of 4 stars). 3 submissions from 3 submitters: Uncertain significance (3). Last evaluated 2025-04-22.

Conditions:
Cardiovascular phenotype. Identifiers: MedGen CN230736.
Alstrom syndrome (ALMS). Identifiers: Orphanet 64, MedGen C0268425, MONDO:0008763, OMIM 203800.

Allele frequency attached by ClinVar (database versions not stated): gnomAD exomes below 0.00001; TOPMed below 0.00001.
gnomAD v4.1: 4 of 1,614,150 alleles (0.00025%); highest among the groups gnomAD compares: African/African-American, 0.0013%; no homozygotes.

Submissions (3):

GeneDx
Classification: Uncertain significance. Last evaluated: 2025-04-22. Review status: criteria provided, single submitter. Criteria: GeneDx Variant Classification Process June 2021. Collection method: clinical testing. Allele origin: germline. Affected: yes.
Comment: Not observed at significant frequency in large population cohorts (gnomAD); Has not been previously published as pathogenic or benign to our knowledge; In silico analysis does not support a benign or deleterious effect of this variant on protein structure/function

Ambry Genetics
Classification: Uncertain significance for Cardiovascular phenotype. Last evaluated: 2024-06-20. Review status: criteria provided, single submitter. Criteria: Ambry Variant Classification Scheme 2023. Collection method: clinical testing. Allele origin: germline.
Comment: The p.I3636V variant (also known as c.10906A>G), located in coding exon 16 of the ALMS1 gene, results from an A to G substitution at nucleotide position 10906. The isoleucine at codon 3636 is replaced by valine, an amino acid with highly similar properties. This amino acid position is poorly conserved in available vertebrate species. In addition, this alteration is predicted to be tolerated by in silico analysis. Based on the available evidence, the clinical significance of this variant remains unclear.

Labcorp Genetics (formerly Invitae), Labcorp
Classification: Uncertain significance for Alstrom syndrome. Last evaluated: 2021-11-25. Review status: criteria provided, single submitter. Criteria: Invitae Variant Classification Sherloc (09022015). Collection method: clinical testing. Allele origin: germline.
Comment: This sequence change replaces isoleucine, which is neutral and non-polar, with valine, which is neutral and non-polar, at codon 3636 of the ALMS1 protein (p.Ile3636Val). This variant is not present in population databases (gnomAD no frequency). This variant has not been reported in the literature in individuals affected with ALMS1-related conditions. Algorithms developed to predict the effect of missense changes on protein structure and function output the following: SIFT: "Not Available"; PolyPhen-2: "Not Available"; Align-GVGD: "Not Available". The valine amino acid residue is found in multiple mammalian species, which suggests that this missense change does not adversely affect protein function. In summary, the available evidence is currently insufficient to determine the role of this variant in disease. Therefore, it has been classified as a Variant of Uncertain Significance.

NM_001378454.1(ALMS1):c.10903A>G (p.Ile3635Val)

Gene: ALMS1 (ALMS1 centrosome and basal body associated protein; plus strand). Cytogenetic location: 2p13.1.
Variant type: single nucleotide variant.
Coding change: c.10903A>G on transcript NM_001378454.1 (MANE Select); coding-DNA position 10903, A replaced by G.
Protein change: p.Ile3635Val; replaces isoleucine 3635 with valine.
Molecular consequence: missense variant.
Genome position (GRCh38, 1-based): chr2:73,572,780, A>G. VCF-style: chr2-73572780-A-G. GRCh37 (hg19) VCF-style: chr2-73799907-A-G.
Other names: c.10906A>G, p.Ile3636Val (NM_015120.4); short protein forms I3635V, I3636V.
Identifiers: ClinVar variation 1480149 (VCV001480149.5), dbSNP rs1674966271, ClinGen allele CA347286090.